The following is an entry in ClinVar:

NM_015909.4(NBAS):c.2217dup (p.Ala740fs)

Gene: NBAS (NBAS subunit of NRZ tethering complex; minus strand). Cytogenetic location: 2p24.3.
Variant type: Duplication.
Coding change: c.2217dup on transcript NM_015909.4 (MANE Select); coding-DNA position 2217, one base duplicated (A; older notation c.2217dupA).
Protein change: p.Ala740fs; shifts the reading frame from alanine 740.
Molecular consequence: frameshift variant. On other transcripts: non-coding transcript variant (1).
Genome position (GRCh38, 1-based): chr2:15,461,323, T duplicated on the plus strand (A on the coding strand, the reverse complement: NBAS is on the minus strand); the first of 2 consecutive T bases (chr2:15,461,323-15,461,324); duplicating either gives the same sequence. VCF-style (leftmost placement, unchanged base first): chr2-15461322-C-CT. GRCh37 (hg19) VCF-style: chr2-15601446-C-CT.
Other names: short protein forms A740fs.
Identifiers: ClinVar variation 4735469 (VCV004735469.1).

ClinVar aggregate classification (germline): Pathogenic (1 of 4 stars; one submission).

Submission:

Labcorp Genetics (formerly Invitae), Labcorp
Classification: Pathogenic. Last evaluated: 2026-01-16. Review status: criteria provided, single submitter. Criteria: Invitae Variant Classification Sherloc (09022015). Collection method: clinical testing. Allele origin: germline.
Comment: This sequence change creates a premature translational stop signal (p.Ala740Serfs*32) in the NBAS gene. It is expected to result in an absent or disrupted protein product. Loss-of-function variants in NBAS are known to be pathogenic (PMID: 26073778, 26541327, 27789416, 28031453). This variant is not present in population databases (gnomAD no frequency). This variant has not been reported in the literature in individuals affected with NBAS-related conditions. For these reasons, this variant has been classified as Pathogenic.

Literature cited by the submitters: PubMed 26073778; PubMed 26541327; PubMed 27789416; PubMed 28031453.